The following is an entry in ClinVar:

ClinVar aggregate classification (germline): Likely pathogenic (1 of 4 stars; one submission).

Submission:

GeneDx
Classification: Likely pathogenic. Last evaluated: 2016-07-25. Review status: criteria provided, single submitter. Criteria: GeneDx Variant Classification (06012015). Collection method: clinical testing. Allele origin: germline. Affected: yes.
Comment: The E726X likely pathogenic variant in the FGD4 gene is predicted to cause loss of normal protein function through protein truncation as the last 41 amino acids are lost. It was not observed in approximately 6,500 individuals of European and African American ancestry in the NHLBI Exome Sequencing Project, indicating it is not a common benign variant in these populations. However, loss of function mutations have not been reported in this region of the protein in association with neuropathy (Stenson et al., 2014). Therefore, this variant is likely pathogenic; however, the possibility that it is benign cannot be excluded.

NM_001370298.3(FGD4):c.2587G>T (p.Glu863Ter)

Gene: FGD4 (FYVE, RhoGEF and PH domain containing 4; plus strand). Cytogenetic location: 12p11.21.
Variant type: single nucleotide variant.
Coding change: c.2587G>T on transcript NM_001370298.3 (MANE Select); coding-DNA position 2587, G replaced by T.
Protein change: p.Glu863Ter; replaces glutamic acid 863 with a stop codon.
Molecular consequence: nonsense.
Genome position (GRCh38, 1-based): chr12:32,640,408, G>T. VCF-style: chr12-32640408-G-T. GRCh37 (hg19) VCF-style: chr12-32793342-G-T.
Other names: c.2431G>T, p.Glu811Ter (NM_001304481.2); c.1144G>T, p.Glu382Ter (NM_001304484.2); c.1897G>T, p.Glu633Ter (NM_001330373.2, NM_001330374.2, NM_001384130.1); c.1624G>T, p.Glu542Ter (NM_001370297.1); c.2587G>T, p.Glu863Ter (NM_001384126.1); c.2176G>T, p.Glu726Ter (NM_001384127.1, NM_001384128.1, NM_001385118.1 and 1 more transcripts); short protein forms E726*, E811*, E542*, E633*, E382*, E863*.
Identifiers: ClinVar variation 418203 (VCV000418203.2), dbSNP rs771529170, ClinGen allele CA16619508.